The following is an entry in ClinVar:

NM_000261.2(MYOC):c.891G>C (p.Gln297His)

Gene: MYOC (myocilin; minus strand). Cytogenetic location: 1q24.3.
Variant type: single nucleotide variant.
Coding change: c.891G>C on transcript NM_000261.2 (MANE Select); coding-DNA position 891, G replaced by C.
Protein change: p.Gln297His; replaces glutamine 297 with histidine.
Molecular consequence: missense variant.
Genome position (GRCh38, 1-based): chr1:171,636,549, C>G on the plus strand (G>C on the coding strand, the complement: MYOC is on the minus strand). VCF-style: chr1-171636549-C-G. GRCh37 (hg19) VCF-style: chr1-171605689-C-G.
Other names: NM_000261.2:c.891G>C; short protein forms Q297H.
Identifiers: ClinVar variation 2442280 (VCV002442280.2), dbSNP rs907466277, ClinGen allele CA343725655.
Genomic context (GRCh38, chr1:171,636,549, plus strand): 5'-TATGTGAACCTTAGAAGGGTAGCCCTGCATAAACTGGCTGATGAGGTCATACTCAAAAAC[C>G]TGGCGGACATCCGTGCCAACTGTGTCGATTCTCCACGTGGTCTCCTGGGTGTAGGGGTAG-3'
Protein context (NP_000252.1, residues 287-307): RIDTVGTDVR[Gln297His]VFEYDLISQF

ClinVar aggregate classification (germline): Uncertain significance (3 of 4 stars; one submission).

Conditions:
Open-angle glaucoma. Identifiers: MedGen C0017612, MONDO:0005338, HP:0012108.

Submission:

ClinGen Glaucoma Variant Curation Expert Panel
Classification: Uncertain significance for Open-angle glaucoma. Last evaluated: 2026-01-20. Review status: reviewed by expert panel. Criteria: ClinGen Glaucoma ACMG Specifications V2.0.0 Approved. Collection method: curation. Allele origin: germline. Inheritance: Autosomal dominant inheritance.
Comment: The c.891G>C variant in MYOC is a missense variant predicted to cause substitution of Glutamine by Histidine at amino acid 297 (p.Gln297His). The highest minor allele frequency of this variant was in the East Asian genetic ancestry group of gnomAD (v4.1.0) = 0.00002232 (1 allele out of 44,802), which met the ≤ 0.0001 threshold set for PM2_Supporting in a genetic ancestry group of at least 10,000 alleles. The REVEL score = 0.677, which was within the 0.644-0.772 range for PP3, predicting a damaging effect on MYOC function. There was no functional evidence predicting a damaging or benign impact of this variant on MYOC function. 2 probands with primary open angle glaucoma have been reported carrying this variant (PMIDs: 28792703, 18334962), which met PS4_Supporting (≥ 2 probands). In summary, this variant met the criteria to receive a score of 3 and to be classified as a variant of uncertain significance (uncertain significance classification range -1 to 5, adapted from PMID: 32720330) for primary open angle glaucoma based on the ACMG/AMP criteria met, as specified by the ClinGen Glaucoma VCEP (v2.0.0, 5 Dec 2024): PP3, PS4_Supporting, PM2_Supporting.